The following is an entry in ClinVar:

NM_001077706.3(ECT2L):c.2191C>T (p.His731Tyr)

Gene: ECT2L (epithelial cell transforming 2 like; plus strand). Cytogenetic location: 6q24.1.
Variant type: single nucleotide variant.
Coding change: c.2191C>T on transcript NM_001077706.3 (MANE Select); coding-DNA position 2191, C replaced by T.
Protein change: p.His731Tyr; replaces histidine 731 with tyrosine.
Molecular consequence: missense variant.
Genome position (GRCh38, 1-based): chr6:138,885,762, C>T. VCF-style: chr6-138885762-C-T. GRCh37 (hg19) VCF-style: chr6-139206899-C-T.
Other names: NC_000006.11:g.139206899C>T; c.2191C>T, p.His731Tyr (NM_001195037.2); short protein forms H731Y.
Identifiers: ClinVar variation 133999 (VCV000133999.2), dbSNP rs144150484, ClinGen allele CA158375.

ClinVar aggregate classification (germline): not provided (0 of 4 stars; one submission).

Allele frequency attached by ClinVar (database versions not stated): gnomAD exomes 0.00038 and 0.00093; ExAC 0.00113; ESP Exome Variant Server 0.00314; gnomAD 0.00388 and 0.00412; 1000 Genomes Project 30x 0.00437; 1000 Genomes Project 0.00439; TOPMed 0.00501.
gnomAD v4.1: 1,204 of 1,614,152 alleles (0.075%); highest among the groups gnomAD compares: African/African-American, 1.3%; 11 homozygotes.

Submissions (2):

ITMI
No classification provided. Condition: AllHighlyPenetrant. Last evaluated: 2013-09-19. Review status: no classification provided. Collection method: reference population. Allele origin: germline.
Comment: Please see associated publication for description of ethnicities

Dr. Peter K. Rogan Lab, Western University
No classification provided (evidence only). Condition: Thymoma. Review status: no classification provided. Collection method: in vitro. Allele origin: not applicable. Functional consequence: retained intron. Not counted in ClinVar's aggregate classification.

Literature cited by the submitters: PubMed 24728327 (cited by ITMI).